The following is an entry in ClinVar:

ClinVar aggregate classification (germline): Conflicting classifications of pathogenicity. Review status: criteria provided, conflicting classifications (1 of 4 stars). 7 submissions from 7 submitters: Uncertain significance (2); Likely benign (4). 1 of the submissions does not count toward it. Last evaluated 2026-01-18.

Conditions:
Frontometaphyseal dysplasia (FMD1). Identifiers: Orphanet 1826, MedGen C0265293, MONDO:0015942.
Heterotopia, periventricular, X-linked dominant (PVNH1). Also called: X-linked periventricular heterotopia; PERIVENTRICULAR NODULAR HETEROTOPIA 4; HETEROTOPIA, PERIVENTRICULAR, 1; PERIVENTRICULAR NODULAR HETEROTOPIA 1. Identifiers: Orphanet 2149, Orphanet 82004, MedGen C1848213, MONDO:0010233, OMIM 300049.
Oto-palato-digital syndrome, type II (OPD2). Also called: Otopalatodigital Syndrome Type 2 (FLNA-OPD2); FACIOPALATOOSSEOUS SYNDROME; Otopalatodigital Syndrome, Type II; OPD II SYNDROME. Identifiers: Orphanet 669, Orphanet 90652, MedGen C1844696, MONDO:0010571, OMIM 304120.
Melnick-Needles syndrome (MNS). Also called: Melnick-Needles Syndrome (FLNA-MNS); MELNICK-NEEDLES OSTEODYSPLASTY; OSTEODYSPLASTY OF MELNICK AND NEEDLES. Identifiers: Orphanet 2484, MedGen C0025237, MONDO:0010650, OMIM 309350.
FLNA-related disorder.
Familial thoracic aortic aneurysm and aortic dissection (TAAD). Also called: Thoracic aortic aneurysms and dissections. Identifiers: Orphanet 91387, MedGen C4707243, MONDO:0019625.

Allele frequency attached by ClinVar (database versions not stated): gnomAD exomes 0.00002 and 0.00012; ExAC 0.00006; gnomAD 0.00007 and 0.00008; TOPMed 0.00007; ESP Exome Variant Server 0.00010.
gnomAD v4.1: 148 of 1,204,615 alleles (0.012%); highest among the groups gnomAD compares: Non-Finnish European, 0.015%; no homozygotes.

Submissions (7):

Labcorp Genetics (formerly Invitae), Labcorp
Classification: Likely benign for Oto-palato-digital syndrome, type II; Heterotopia, periventricular, X-linked dominant; Frontometaphyseal dysplasia; Melnick-Needles syndrome. Last evaluated: 2026-01-18. Review status: criteria provided, single submitter. Criteria: Invitae Variant Classification Sherloc (09022015). Collection method: clinical testing. Allele origin: germline.

CeGaT Center for Human Genetics Tuebingen
Classification: Likely benign. Last evaluated: 2025-10-01. Review status: criteria provided, single submitter. Criteria: CeGaT Center For Human Genetics Tuebingen Variant Classification Criteria Version 2. Collection method: clinical testing. Allele origin: germline. Affected: yes. Observed: 1 variant allele.
Comment: FLNA: BS2

GeneDx
Classification: Uncertain significance. Last evaluated: 2025-03-17. Review status: criteria provided, single submitter. Criteria: GeneDx Variant Classification Process June 2021. Collection method: clinical testing. Allele origin: germline. Affected: yes.
Comment: Has not been previously published as pathogenic or benign to our knowledge; In silico analysis supports that this missense variant has a deleterious effect on protein structure/function

Mayo Clinic Laboratories, Mayo Clinic
Classification: Uncertain significance. Last evaluated: 2023-12-01. Review status: criteria provided, single submitter. Criteria: ACMG Guidelines, 2015. Collection method: clinical testing. Allele origin: germline. Observed: 2 variant alleles.
Comment: PP2

Ambry Genetics
Classification: Likely benign for Familial thoracic aortic aneurysm and aortic dissection. Last evaluated: 2023-10-31. Review status: criteria provided, single submitter. Criteria: Ambry Variant Classification Scheme 2023. Collection method: clinical testing. Allele origin: germline.

Blueprint Genetics
Classification: Likely benign. Last evaluated: 2022-09-20. Review status: criteria provided, single submitter. Criteria: ACMG Guidelines, 2015. Collection method: clinical testing. Allele origin: germline.

PreventionGenetics, part of Exact Sciences
Classification: Uncertain significance for FLNA-related condition. Last evaluated: 2024-02-26. Review status: no assertion criteria provided. Collection method: clinical testing. Allele origin: germline. Not counted in ClinVar's aggregate classification.
Comment: The FLNA c.2323T>C variant is predicted to result in the amino acid substitution p.Tyr775His. To our knowledge, this variant has not been reported in the literature. This variant is reported in 0.0049% of alleles in individuals of European (Non-Finnish) descent in gnomAD. At this time, the clinical significance of this variant is uncertain due to the absence of conclusive functional and genetic evidence.

NM_001110556.2(FLNA):c.2323T>C (p.Tyr775His)

Gene: FLNA (filamin A; minus strand). Cytogenetic location: Xq28.
Variant type: single nucleotide variant.
Coding change: c.2323T>C on transcript NM_001110556.2 (MANE Select); coding-DNA position 2323, T replaced by C.
Protein change: p.Tyr775His; replaces tyrosine 775 with histidine.
Molecular consequence: missense variant.
Genome position (GRCh38, 1-based): chrX:154,362,742, A>G on the plus strand (T>C on the coding strand, the complement: FLNA is on the minus strand). VCF-style: chrX-154362742-A-G. GRCh37 (hg19) VCF-style: chrX-153591110-A-G.
Other names: p.Tyr775His; c.2323T>C (NM_001110556.1); c.2323T>C, p.Tyr775His (NM_001456.4); short protein forms Y775H.
Identifiers: ClinVar variation 519868 (VCV000519868.26), dbSNP rs371839875, ClinGen allele CA10560955.
Genomic context (GRCh38, chrX:154,362,742, plus strand): 5'-CCACAGTGAAGTAGGTGGGCTCGTGGGCCTTGAGCCCTGTCTTGGCTACTCCGGGGCCGT[A>G]TACTTTGACCTTGTTGGGGTGGCTGCCAGCTCCCACATTCACCTGCAGGGCACAGGGGCA-3'
Protein context (NP_001104026.1, residues 765-785): AGSHPNKVKV[Tyr775His]GPGVAKTGLK